The following is an entry in ClinVar:

NM_004935.4(CDK5):c.537C>G (p.Tyr179Ter)

Gene: CDK5 (cyclin dependent kinase 5; minus strand). Cytogenetic location: 7q36.1.
Variant type: single nucleotide variant.
Coding change: c.537C>G on transcript NM_004935.4 (MANE Select); coding-DNA position 537, C replaced by G.
Protein change: p.Tyr179Ter; replaces tyrosine 179 with a stop codon.
Molecular consequence: nonsense.
Genome position (GRCh38, 1-based): chr7:151,055,320, G>C on the plus strand (C>G on the coding strand, the complement: CDK5 is on the minus strand). VCF-style: chr7-151055320-G-C. GRCh37 (hg19) VCF-style: chr7-150752407-G-C.
Other names: c.441C>G, p.Tyr147Ter (NM_001164410.3); short protein forms Y147*, Y179*.
Identifiers: ClinVar variation 4855423 (VCV004855423.1).

ClinVar aggregate classification (germline): Uncertain significance (1 of 4 stars; one submission).

Conditions:
Lissencephaly 7 with cerebellar hypoplasia (LIS7). Identifiers: MedGen C4225359, MONDO:0014596, OMIM 616342.

Submission:

3billion
Classification: Uncertain significance for Lissencephaly 7 with cerebellar hypoplasia. Last evaluated: 2025-10-07. Review status: criteria provided, single submitter. Criteria: ACMG Guidelines, 2015. Collection method: clinical testing. Allele origin: germline. Affected: yes.
Comment: The variant is observed at an extremely low frequency in the gnomAD v4.1.0 dataset (total allele frequency: <0.001%). Predicted Consequence/Location: Stop-gained (nonsense): predicted to result in a loss or disruption of normal protein function through nonsense-mediated decay (NMD) or protein truncation. Loss-of-function (LoF) variants are not yet known to be disease-causing for this gene. However, previously reported LOF variant provides evidence supporting these variants as a mechanism of disease. Stop-gained (nonsense): predicted to result in a loss or disruption of normal protein function through nonsense-mediated decay (NMD) or protein truncation. Loss-of-function (LoF) variants are not yet known to be disease-causing for this gene. However, previously reported LOF variant provides evidence supporting these variants as a mechanism of disease. Therefore, this variant is classified as VUS according to the recommendation of ACMG/AMP guideline.